The following is an entry in ClinVar:

NM_000587.4(C7):c.1662-2A>T

Gene: C7 (complement C7; plus strand). Cytogenetic location: 5p13.1.
Variant type: single nucleotide variant.
Coding change: c.1662-2A>T on transcript NM_000587.4 (MANE Select); the canonical splice acceptor site of the intron before coding-DNA position 1662, A replaced by T.
Molecular consequence: splice acceptor variant.
Genome position (GRCh38, 1-based): chr5:40,962,083, A>T. VCF-style: chr5-40962083-A-T. GRCh37 (hg19) VCF-style: chr5-40962185-A-T.
Identifiers: ClinVar variation 4759628 (VCV004759628.1).

ClinVar aggregate classification (germline): Likely pathogenic (1 of 4 stars; one submission).

gnomAD v4.1: 4 of 1,500,742 alleles (0.00027%); highest among the groups gnomAD compares: African/African-American, 0.0028%; no homozygotes.

Submission:

Labcorp Genetics (formerly Invitae), Labcorp
Classification: Likely pathogenic. Last evaluated: 2025-07-06. Review status: criteria provided, single submitter. Criteria: Invitae Variant Classification Sherloc (09022015). Collection method: clinical testing. Allele origin: germline.
Comment: This sequence change affects an acceptor splice site in intron 12 of the C7 gene. It is expected to disrupt RNA splicing. Variants that disrupt the donor or acceptor splice site typically lead to a loss of protein function (PMID: 16199547), and loss-of-function variants in C7 are known to be pathogenic (PMID: 9856499, 17407100). This variant is not present in population databases (gnomAD no frequency). This variant has not been reported in the literature in individuals affected with C7-related conditions. Algorithms developed to predict the effect of sequence changes on RNA splicing suggest that this variant may disrupt the consensus splice site. In summary, the currently available evidence indicates that the variant is pathogenic, but additional data are needed to prove that conclusively. Therefore, this variant has been classified as Likely Pathogenic.

Literature cited by the submitters: PubMed 16199547; PubMed 9856499; PubMed 17407100.